The following is an entry in ClinVar:

NM_004370.6(COL12A1):c.4868A>G (p.Asp1623Gly)

Gene: COL12A1 (collagen type XII alpha 1 chain; minus strand). Cytogenetic location: 6q13.
Variant type: single nucleotide variant.
Coding change: c.4868A>G on transcript NM_004370.6 (MANE Select); coding-DNA position 4868, A replaced by G.
Protein change: p.Asp1623Gly; replaces aspartic acid 1623 with glycine.
Molecular consequence: missense variant.
Genome position (GRCh38, 1-based): chr6:75,142,121, T>C on the plus strand (A>G on the coding strand, the complement: COL12A1 is on the minus strand). VCF-style: chr6-75142121-T-C. GRCh37 (hg19) VCF-style: chr6-75851837-T-C.
Other names: c.4868A>G, p.Asp1623Gly (NM_001424113.1, NM_001424114.1); c.4595A>G, p.Asp1532Gly (NM_001424115.1); c.1376A>G, p.Asp459Gly (NM_001424116.1, NM_080645.3); short protein forms D1532G, D1623G, D459G.
Identifiers: ClinVar variation 2926375 (VCV002926375.3), dbSNP rs929978472, ClinGen allele CA140999180.

ClinVar aggregate classification (germline): Uncertain significance (1 of 4 stars; one submission).

Conditions:
Ullrich congenital muscular dystrophy 2 (UCMD2). Identifiers: Orphanet 75840, MedGen C4225314, MONDO:0014654, OMIM 616470.
Bethlem myopathy 2 (BTHLM2). Identifiers: Orphanet 536516, Orphanet 610, MedGen C4225313, MONDO:0034022, OMIM 616471.

Allele frequency attached by ClinVar (database versions not stated): TOPMed below 0.00001; gnomAD 0.00001.
gnomAD v4.1: 11 of 1,613,922 alleles (0.00068%); highest among the groups gnomAD compares: Non-Finnish European, 0.00085%; no homozygotes.

Submission:

Labcorp Genetics (formerly Invitae), Labcorp
Classification: Uncertain significance for Bethlem myopathy 2; Ullrich congenital muscular dystrophy 2. Last evaluated: 2024-12-18. Review status: criteria provided, single submitter. Criteria: Invitae Variant Classification Sherloc (09022015). Collection method: clinical testing. Allele origin: germline.
Comment: This sequence change replaces aspartic acid, which is acidic and polar, with glycine, which is neutral and non-polar, at codon 1623 of the COL12A1 protein (p.Asp1623Gly). This variant is not present in population databases (gnomAD no frequency). This variant has not been reported in the literature in individuals affected with COL12A1-related conditions. ClinVar contains an entry for this variant (Variation ID: 2926375). Invitae Evidence Modeling of protein sequence and biophysical properties (such as structural, functional, and spatial information, amino acid conservation, physicochemical variation, residue mobility, and thermodynamic stability) indicates that this missense variant is not expected to disrupt COL12A1 protein function with a negative predictive value of 80%. In summary, the available evidence is currently insufficient to determine the role of this variant in disease. Therefore, it has been classified as a Variant of Uncertain Significance.